The following is an entry in ClinVar:

NM_014915.3(ANKRD26):c.1721ATG[5] (p.Asp579del)

Gene: ANKRD26 (ankyrin repeat domain 26; minus strand). Cytogenetic location: 10p12.1.
Variant type: Microsatellite.
Coding change: c.1721ATG[5] on transcript NM_014915.3 (MANE Select); five copies in a row of the 3-base unit ATG starting at c.1721; the reference has six copies in a row; one copy, 3 bases deleted.
Protein change: p.Asp579del; deletes aspartic acid 579.
Molecular consequence: inframe deletion.
Genome position (GRCh38, 1-based): chr10:27,048,877-27,048,879, CAT deleted on the plus strand (ATG on the coding strand, the reverse complement: ANKRD26 is on the minus strand); deleting any 3 consecutive bases within chr10:27,048,877-27,048,895 gives the same sequence; the position shown is the placement nearest the transcript's 3' end. VCF-style (leftmost placement, unchanged base first): chr10-27048876-CCAT-C. GRCh37 (hg19) VCF-style: chr10-27337805-CCAT-C.
Other names: c.1721ATG[5], p.Asp579del (NM_001256053.2); short protein forms D579del.
Identifiers: ClinVar variation 2065432 (VCV002065432.4), dbSNP rs561705414, ClinGen allele CA5448422.

ClinVar aggregate classification (germline): Uncertain significance (1 of 4 stars; one submission).

Submission:

Labcorp Genetics (formerly Invitae), Labcorp
Classification: Uncertain significance. Last evaluated: 2024-04-08. Review status: criteria provided, single submitter. Criteria: Invitae Variant Classification Sherloc (09022015). Collection method: clinical testing. Allele origin: germline.
Comment: This variant, c.1736_1738del, results in the deletion of 1 amino acid(s) of the ANKRD26 protein (p.Asp579del), but otherwise preserves the integrity of the reading frame. The frequency data for this variant in the population databases is considered unreliable, as metrics indicate poor data quality at this position in the gnomAD database. This variant has not been reported in the literature in individuals affected with ANKRD26-related conditions. Experimental studies and prediction algorithms are not available or were not evaluated, and the functional significance of this variant is currently unknown. In summary, the available evidence is currently insufficient to determine the role of this variant in disease. Therefore, it has been classified as a Variant of Uncertain Significance.